The following is an entry in ClinVar:

NM_015087.5(SPART):c.1232A>T (p.Glu411Val)

Gene: SPART (spartin; minus strand). Cytogenetic location: 13q13.3.
Variant type: single nucleotide variant.
Coding change: c.1232A>T on transcript NM_015087.5 (MANE Select); coding-DNA position 1232, A replaced by T.
Protein change: p.Glu411Val; replaces glutamic acid 411 with valine.
Molecular consequence: missense variant.
Genome position (GRCh38, 1-based): chr13:36,326,631, T>A on the plus strand (A>T on the coding strand, the complement: SPART is on the minus strand). VCF-style: chr13-36326631-T-A. GRCh37 (hg19) VCF-style: chr13-36900768-T-A.
Other names: c.1232A>T, p.Glu411Val (NM_001142294.2, NM_001142295.2, NM_001142296.2); short protein forms E411V.
Identifiers: ClinVar variation 3606750 (VCV003606750.2).
Genomic context (GRCh38, chr13:36,326,631, plus strand): 5'-ATACCTGACAAAATGTTGTGAGCCACTTTTTCACTCCATTCAGGTAATTCTTTTGGCTTT[T>A]CTTCTGGAACTGGCTCACATGGTACAATGTGACTCAGGTTAACTTCTTCACTTGAAGTAT-3'
Protein context (NP_055902.1, residues 401-421): HIVPCEPVPE[Glu411Val]KPKELPEWSE

ClinVar aggregate classification (germline): Uncertain significance (1 of 4 stars; one submission).

gnomAD v4.1: 3 of 1,613,578 alleles (0.00019%); highest among the groups gnomAD compares: East Asian, 0.0067%; no homozygotes.

Submission:

Labcorp Genetics (formerly Invitae), Labcorp
Classification: Uncertain significance. Last evaluated: 2024-05-21. Review status: criteria provided, single submitter. Criteria: Invitae Variant Classification Sherloc (09022015). Collection method: clinical testing. Allele origin: germline.
Comment: This sequence change replaces glutamic acid, which is acidic and polar, with valine, which is neutral and non-polar, at codon 411 of the SPART protein (p.Glu411Val). This variant is present in population databases (rs556429175, gnomAD 0.006%). This variant has not been reported in the literature in individuals affected with SPART-related conditions. Advanced modeling of protein sequence and biophysical properties (such as structural, functional, and spatial information, amino acid conservation, physicochemical variation, residue mobility, and thermodynamic stability) performed at Invitae indicates that this missense variant is not expected to disrupt SPART protein function with a negative predictive value of 80%. In summary, the available evidence is currently insufficient to determine the role of this variant in disease. Therefore, it has been classified as a Variant of Uncertain Significance.